The following is an entry in ClinVar:

ClinVar aggregate classification (germline): Uncertain significance. Review status: criteria provided, multiple submitters, no conflicts (2 of 4 stars). 2 submissions from 2 submitters: Uncertain significance (2). Last evaluated 2025-01-25.

Conditions:
Inborn genetic diseases. Identifiers: MedGen C0950123, MeSH D030342.

Allele frequency attached by ClinVar (database versions not stated): gnomAD exomes 0.00003 and 0.00005; gnomAD 0.00004 and 0.00005; TOPMed 0.00004; ExAC 0.00008.

Submissions (2):

Ambry Genetics
Classification: Uncertain significance for Inborn genetic diseases. Last evaluated: 2025-01-25. Review status: criteria provided, single submitter. Criteria: Ambry Variant Classification Scheme 2023. Collection method: clinical testing. Allele origin: germline.

Labcorp Genetics (formerly Invitae), Labcorp
Classification: Uncertain significance. Last evaluated: 2021-11-20. Review status: criteria provided, single submitter. Criteria: Invitae Variant Classification Sherloc (09022015). Collection method: clinical testing. Allele origin: germline.
Comment: This sequence change replaces alanine, which is neutral and non-polar, with threonine, which is neutral and polar, at codon 98 of the CLDN14 protein (p.Ala98Thr). This variant is present in population databases (rs759313432, gnomAD 0.02%). This variant has not been reported in the literature in individuals affected with CLDN14-related conditions. Algorithms developed to predict the effect of missense changes on protein structure and function are either unavailable or do not agree on the potential impact of this missense change (SIFT: "Deleterious"; PolyPhen-2: "Possibly Damaging"; Align-GVGD: "Class C0"). In summary, the available evidence is currently insufficient to determine the role of this variant in disease. Therefore, it has been classified as a Variant of Uncertain Significance.

NM_001146079.2(CLDN14):c.292G>A (p.Ala98Thr)

Genes: CLDN14 (claudin 14; minus strand), CLDN14-AS1 (CLDN14 antisense RNA 1; plus strand). Cytogenetic location: 21q22.13.
Variant type: single nucleotide variant.
Coding change: c.292G>A on transcript NM_001146079.2 (MANE Select); coding-DNA position 292, G replaced by A.
Protein change: p.Ala98Thr; replaces alanine 98 with threonine.
Molecular consequence: missense variant.
Genome position (GRCh38, 1-based): chr21:36,461,404, C>T on the plus strand (G>A on the coding strand, the complement: CLDN14 is on the minus strand). VCF-style: chr21-36461404-C-T. GRCh37 (hg19) VCF-style: chr21-37833702-C-T.
Other names: c.292G>A, p.Ala98Thr (NM_001146077.2, NM_001146078.3, NM_012130.4 and 1 more transcripts); c.292G>A (NM_144492.2); short protein forms A98T.
Identifiers: ClinVar variation 1367577 (VCV001367577.4), dbSNP rs759313432, ClinGen allele CA10019298.
Genomic context (GRCh38, chr21:36,461,404, plus strand): 5'-CAAAGGTGGTCTTGGCGGGTGTGCCCTTGGCGCAGCGCGTGCACTTCATCCCGATGACGG[C>T]GCAGGCGCAGGCTATGCCCGAGAGCAGGCAGGAGATGACCATGAGGGCGCGGGCAGCCTG-3'
Protein context (NP_001139551.1, residues 88-108): CLLSGIACAC[Ala98Thr]VIGMKCTRCA